The following is an entry in ClinVar:

ClinVar aggregate classification (germline): Likely pathogenic (1 of 4 stars; one submission).

Submission:

Labcorp Genetics (formerly Invitae), Labcorp
Classification: Likely pathogenic. Last evaluated: 2020-10-19. Review status: criteria provided, single submitter. Criteria: Invitae Variant Classification Sherloc (09022015). Collection method: clinical testing. Allele origin: germline.
Comment: This variant results in a copy number gain of the genomic region encompassing exon(s) 70-71 of the USH2A gene. While the exact position of this variant cannot be determined from the data, sub-genic copy number gains are generally in tandem (PMID: 25640679). This variant is predicted to be out-of-frame, and may result in an absent or disrupted protein product. Loss-of-function variants in USH2A are known to be pathogenic (PMID: 10729113, 10909849, 20507924, 25649381). This variant has not been reported in the literature in individuals with USH2A-related conditions. In summary, the currently available evidence indicates that the variant is pathogenic, but additional data are needed to prove that conclusively. Therefore, this variant has been classified as Likely Pathogenic.

Literature cited by the submitters: PubMed 25640679; PubMed 10729113; PubMed 10909849; PubMed 20507924; PubMed 25649381.

NC_000001.10:g.(?_215802146)_(215808055_?)dup

Gene: USH2A (usherin; minus strand). Cytogenetic location: 1q41.
Variant type: Duplication.
Identifiers: ClinVar variation 1066101 (VCV001066101.4).